The following is an entry in ClinVar:

ClinVar aggregate classification (germline): Uncertain significance. Review status: criteria provided, multiple submitters, no conflicts (2 of 4 stars). 2 submissions from 2 submitters: Uncertain significance (2). Last evaluated 2022-03-04.

Conditions:
Nephronophthisis. Also called: Juvenile Nephronophthisis. Identifiers: Orphanet 655, MedGen C0687120, MONDO:0019005, HP:0000090.

Allele frequency attached by ClinVar (database versions not stated): gnomAD exomes below 0.00001; TOPMed 0.00001; ExAC 0.00001.
gnomAD v4.1: 7 of 1,613,970 alleles (0.00043%); highest among the groups gnomAD compares: Admixed American, 0.0017%; no homozygotes.

Submissions (2):

Labcorp Genetics (formerly Invitae), Labcorp
Classification: Uncertain significance for Nephronophthisis. Last evaluated: 2022-03-04. Review status: criteria provided, single submitter. Criteria: Invitae Variant Classification Sherloc (09022015). Collection method: clinical testing. Allele origin: germline.
Comment: This sequence change replaces arginine, which is basic and polar, with histidine, which is basic and polar, at codon 669 of the NPHP1 protein (p.Arg669His). This variant is present in population databases (rs566866150, gnomAD 0.003%). This variant has not been reported in the literature in individuals affected with NPHP1-related conditions. ClinVar contains an entry for this variant (Variation ID: 500247). Algorithms developed to predict the effect of missense changes on protein structure and function are either unavailable or do not agree on the potential impact of this missense change (SIFT: "Tolerated"; PolyPhen-2: "Possibly Damaging"; Align-GVGD: "Class C0"). In summary, the available evidence is currently insufficient to determine the role of this variant in disease. Therefore, it has been classified as a Variant of Uncertain Significance.

Eurofins Ntd Llc (ga)
Classification: Uncertain significance. Last evaluated: 2017-02-01. Review status: criteria provided, single submitter. Criteria: EGL Classification Definitions 2015. Collection method: clinical testing. Allele origin: germline. Observed: 1 variant allele, 1 heterozygote.

NM_001128178.3(NPHP1):c.1838G>A (p.Arg613His)

Gene: NPHP1 (nephrocystin 1; minus strand). Cytogenetic location: 2q13.
Variant type: single nucleotide variant.
Coding change: c.1838G>A on transcript NM_001128178.3 (MANE Select); coding-DNA position 1838, G replaced by A.
Protein change: p.Arg613His; replaces arginine 613 with histidine.
Molecular consequence: missense variant. On other transcripts: 3 prime UTR variant (1).
Genome position (GRCh38, 1-based): chr2:110,123,987, C>T on the plus strand (G>A on the coding strand, the complement: NPHP1 is on the minus strand). VCF-style: chr2-110123987-C-T. GRCh37 (hg19) VCF-style: chr2-110881564-C-T.
Other names: c.2006G>A, p.Arg669His (NM_000272.5); c.1649G>A, p.Arg550His (NM_001128179.3); c.1835G>A, p.Arg612His (NM_001374256.1); c.*80G>A (NM_001374257.1); c.2003G>A, p.Arg668His (NM_207181.4); short protein forms R669H, R613H, R550H, R668H, R612H.
Identifiers: ClinVar variation 500247 (VCV000500247.6), dbSNP rs566866150, ClinGen allele CA1826860.